The following is an entry in ClinVar:

ClinVar aggregate classification (germline): Benign/Likely benign. Review status: criteria provided, multiple submitters, no conflicts (2 of 4 stars). 4 submissions from 4 submitters: Benign (3); Likely benign (1). Last evaluated 2024-09-13.

Conditions:
Occult macular dystrophy (OCMD). Also called: OMD; OCCULT MACULAR DYSTROPHY, SUSCEPTIBILITY TO. Identifiers: Orphanet 247834, MedGen C3150833, MONDO:0013316, OMIM 613587, HP:0030636.

Allele frequency attached by ClinVar (database versions not stated): gnomAD exomes 0.00043 and 0.00086; ExAC 0.00091; 1000 Genomes Project 0.00260; ESP Exome Variant Server 0.00304; 1000 Genomes Project 30x 0.00312; gnomAD 0.00353 and 0.00377; TOPMed 0.00415.
gnomAD v4.1: 1,210 of 1,614,206 alleles (0.075%); highest among the groups gnomAD compares: African/African-American, 1.3%; 7 homozygotes.

Submissions (4):

Blueprint Genetics
Classification: Likely benign. Last evaluated: 2024-09-13. Review status: criteria provided, single submitter. Criteria: ACMG Guidelines, 2015. Collection method: clinical testing. Allele origin: germline.

CeGaT Center for Human Genetics Tuebingen
Classification: Benign. Last evaluated: 2024-07-01. Review status: criteria provided, single submitter. Criteria: CeGaT Center For Human Genetics Tuebingen Variant Classification Criteria Version 2. Collection method: clinical testing. Allele origin: germline. Affected: yes. Observed: 1 variant allele.
Comment: RP1L1: BP4, BS1, BS2

Illumina Laboratory Services, Illumina
Classification: Benign for Occult macular dystrophy. Last evaluated: 2018-01-12. Review status: criteria provided, single submitter. Criteria: ICSL Variant Classification Criteria 13 December 2019. Collection method: clinical testing. Allele origin: germline.
Comment: This variant was observed in the ICSL laboratory as part of a predisposition screen in an ostensibly healthy population. It had not been previously curated by ICSL or reported in the Human Gene Mutation Database (HGMD: prior to June 1st, 2018), and was therefore a candidate for classification through an automated scoring system. Utilizing variant allele frequency, disease prevalence and penetrance estimates, and inheritance mode, an automated score was calculated to assess if this variant is too frequent to cause the disease. Based on the score and internal cut-off values, a variant classified as benign is not then subjected to further curation. The score for this variant resulted in a classification of benign for this disease.

Breakthrough Genomics
Classification: Benign. Review status: criteria provided, single submitter. Criteria: ACMG Guidelines, 2015. Collection method: not provided. Allele origin: germline. Inheritance: Autosomal recessive inheritance. Affected: yes.

NM_178857.6(RP1L1):c.6916T>A (p.Trp2306Arg)

Gene: RP1L1 (RP1 like 1). Cytogenetic location: 8p23.1.
Variant type: single nucleotide variant.
Coding change: c.6916T>A on transcript NM_178857.6 (MANE Select); coding-DNA position 6916, T replaced by A.
Protein change: p.Trp2306Arg; replaces tryptophan 2306 with arginine.
Molecular consequence: missense variant.
Genome position (GRCh38, 1-based): chr8:10,607,182, A>T on the plus strand (T>A on the coding strand, the complement: RP1L1 is on the minus strand). VCF-style: chr8-10607182-A-T. GRCh37 (hg19) VCF-style: chr8-10464692-A-T.
Other names: short protein forms W2306R.
Identifiers: ClinVar variation 361208 (VCV000361208.24), dbSNP rs200403049, ClinGen allele CA4623135.